The following is an entry in ClinVar:

ClinVar aggregate classification (germline): Conflicting classifications of pathogenicity. Review status: criteria provided, conflicting classifications (1 of 4 stars). 7 submissions from 3 submitters: Uncertain significance (5); Benign (2). Last evaluated 2021-03-22.

Conditions:
Early-onset myopathy with fatal cardiomyopathy (CMYO5). Also called: CONGENITAL MYOPATHY 5 WITH CARDIOMYOPATHY; Salih Myopathy. Identifiers: Orphanet 289377, MedGen C2673677, MONDO:0012714, OMIM 611705. Disease mechanism: loss of function.
Autosomal recessive limb-girdle muscular dystrophy type 2J (LGMDR10). Also called: Limb-girdle muscular dystrophy, type 2J; MUSCULAR DYSTROPHY, LIMB-GIRDLE, AUTOSOMAL RECESSIVE 10. Identifiers: Orphanet 140922, MedGen C1837342, MONDO:0012127, OMIM 608807.
Myopathy, myofibrillar, 9, with early respiratory failure (MFM9). Also called: EDSTROM MYOPATHY; MYOPATHY, PROXIMAL, WITH EARLY RESPIRATORY MUSCLE INVOLVEMENT; Myopathy, distal, with early respiratory failure, autosomal dominant; Hereditary myopathy with early respiratory failure. Identifiers: Orphanet 178464, Orphanet 34521, MedGen C1863599, MONDO:0011362, OMIM 603689.
Tibial muscular dystrophy (TMD). Also called: Tibial muscular dystrophy, tardive; UDD MYOPATHY; Udd Distal Myopathy – Tibial Muscular Dystrophy. Identifiers: Orphanet 609, MedGen C1838244, MONDO:0010870, OMIM 600334.
Dilated cardiomyopathy 1G (CMD1G). Identifiers: Orphanet 154, MedGen C1858763, MONDO:0011400, OMIM 604145.

Allele frequency attached by ClinVar (database versions not stated): gnomAD exomes 0.00002 and 0.00007; TOPMed 0.00003; gnomAD 0.00004; ExAC 0.00008; ESP Exome Variant Server 0.00008.
gnomAD v4.1: 27 of 1,612,016 alleles (0.0017%); highest among the groups gnomAD compares: Admixed American, 0.038%; no homozygotes.

Submissions (7):

Revvity Omics, Revvity
Classification: Uncertain significance. Last evaluated: 2021-03-22. Review status: criteria provided, single submitter. Criteria: ACMG Guidelines, 2015. Collection method: clinical testing. Allele origin: germline.

GeneDx
Classification: Uncertain significance. Last evaluated: 2020-01-09. Review status: criteria provided, single submitter. Criteria: GeneDx Variant Classification Process June 2021. Collection method: clinical testing. Allele origin: germline. Affected: yes.
Comment: Has not been previously published as pathogenic or benign to our knowledge; In silico analysis, which includes splice predictors and evolutionary conservation, supports a deleterious effect; Not located in the A-band nor the M-line region of titin, where the majority of pathogenic truncating variants have been reported

Illumina Laboratory Services, Illumina
Classification: Uncertain significance for Autosomal recessive limb-girdle muscular dystrophy type 2J. Last evaluated: 2018-01-12. Review status: criteria provided, single submitter. Criteria: ICSL Variant Classification Criteria 13 December 2019. Collection method: clinical testing. Allele origin: germline.

Illumina Laboratory Services, Illumina
Classification: Uncertain significance for Early-onset myopathy with fatal cardiomyopathy. Last evaluated: 2018-01-12. Review status: criteria provided, single submitter. Criteria: ICSL Variant Classification Criteria 13 December 2019. Collection method: clinical testing. Allele origin: germline.

Illumina Laboratory Services, Illumina
Classification: Uncertain significance for Dilated cardiomyopathy 1G. Last evaluated: 2018-01-12. Review status: criteria provided, single submitter. Criteria: ICSL Variant Classification Criteria 13 December 2019. Collection method: clinical testing. Allele origin: germline.

Illumina Laboratory Services, Illumina
Classification: Benign for Tibial muscular dystrophy. Last evaluated: 2018-01-12. Review status: criteria provided, single submitter. Criteria: ICSL Variant Classification Criteria 13 December 2019. Collection method: clinical testing. Allele origin: germline.
Comment: This variant was observed in the ICSL laboratory as part of a predisposition screen in an ostensibly healthy population. It had not been previously curated by ICSL or reported in the Human Gene Mutation Database (HGMD: prior to June 1st, 2018), and was therefore a candidate for classification through an automated scoring system. Utilizing variant allele frequency, disease prevalence and penetrance estimates, and inheritance mode, an automated score was calculated to assess if this variant is too frequent to cause the disease. Based on the score and internal cut-off values, a variant classified as benign is not then subjected to further curation. The score for this variant resulted in a classification of benign for this disease.

Illumina Laboratory Services, Illumina
Classification: Benign for Myopathy, myofibrillar, 9, with early respiratory failure. Last evaluated: 2018-01-12. Review status: criteria provided, single submitter. Criteria: ICSL Variant Classification Criteria 13 December 2019. Collection method: clinical testing. Allele origin: germline.
Comment: the same text as in the submission from Illumina Laboratory Services, Illumina above.

NM_001267550.2(TTN):c.14428A>C (p.Lys4810Gln)

Gene: TTN (titin; minus strand). Cytogenetic location: 2q31.2.
Variant type: single nucleotide variant.
Coding change: c.14428A>C on transcript NM_001267550.2 (MANE Select); coding-DNA position 14428, A replaced by C.
Protein change: p.Lys4810Gln; replaces lysine 4810 with glutamine.
Molecular consequence: missense variant. On other transcripts: intron variant (3).
Genome position (GRCh38, 1-based): chr2:178,736,018, T>G on the plus strand (A>C on the coding strand, the complement: TTN is on the minus strand). VCF-style: chr2-178736018-T-G. GRCh37 (hg19) VCF-style: chr2-179600745-T-G.
Other names: c.13477A>C, p.Lys4493Gln (NM_001256850.1); c.10696A>C, p.Lys3566Gln (NM_133378.4); c.13282+2064A>C (NM_003319.4); c.13858+2064A>C (NM_133437.4); c.13657+2064A>C (NM_133432.3); short protein forms K3566Q, K4493Q, K4810Q.
Identifiers: ClinVar variation 892754 (VCV000892754.7), dbSNP rs367630668, ClinGen allele CA2002399.
Genomic context (GRCh38, chr2:178,736,018, plus strand): 5'-TCTGCCAAATGGTTTCTATCACAGGAGTCCCTGTCACTGTGCAGATGAACTTGGCTGCCT[T>G]ACCCACAAAAGTTGTAAGGGACTTAGGTCTGGAGAGAAAGGTTGGTGGATATGCCTCTGC-3'
Protein context (NP_001254479.2, residues 4800-4820): RPKSLTTFVG[Lys4810Gln]AAKFICTVTG